The following is an entry in ClinVar:

NM_021942.6(TRAPPC11):c.630_631del (p.His210fs)

Gene: TRAPPC11 (trafficking protein particle complex subunit 11; plus strand). Cytogenetic location: 4q35.1.
Variant type: Deletion.
Coding change: c.630_631del on transcript NM_021942.6 (MANE Select); coding-DNA positions 630 to 631, 2 bases deleted (TA; older notation c.630_631delTA).
Protein change: p.His210fs; shifts the reading frame from histidine 210.
Molecular consequence: frameshift variant.
Genome position (GRCh38, 1-based): chr4:183,674,782-183,674,783, TA deleted; deleting any 2 consecutive bases within chr4:183,674,781-183,674,783 gives the same sequence; the c. name uses the placement nearest the transcript's 3' end. VCF-style (leftmost placement, unchanged base first): chr4-183674780-CAT-C. GRCh37 (hg19) VCF-style: chr4-184595933-CAT-C.
Other names: c.630_631del, p.His210fs (NM_199053.3); short protein forms H210fs.
Identifiers: ClinVar variation 1425984 (VCV001425984.6), dbSNP rs1735328958, ClinGen allele CA1071791232.

ClinVar aggregate classification (germline): Pathogenic (1 of 4 stars; one submission).

Conditions:
Autosomal recessive limb-girdle muscular dystrophy type R18 (LGMDR18). Also called: Limb-girdle muscular dystrophy, type 2S; MUSCULAR DYSTROPHY, LIMB-GIRDLE, AUTOSOMAL RECESSIVE 18; Autosomal recessive limb-girdle muscular dystrophy type 2S. Identifiers: Orphanet 369840, MedGen C4517996, MONDO:0014144, OMIM 615356.

Submission:

Labcorp Genetics (formerly Invitae), Labcorp
Classification: Pathogenic for Autosomal recessive limb-girdle muscular dystrophy type R18. Last evaluated: 2021-11-08. Review status: criteria provided, single submitter. Criteria: Invitae Variant Classification Sherloc (09022015). Collection method: clinical testing. Allele origin: germline.
Comment: This variant has not been reported in the literature in individuals affected with TRAPPC11-related conditions. For these reasons, this variant has been classified as Pathogenic. This variant is not present in population databases (gnomAD no frequency). This sequence change creates a premature translational stop signal (p.His210Glnfs*6) in the TRAPPC11 gene. It is expected to result in an absent or disrupted protein product. Loss-of-function variants in TRAPPC11 are known to be pathogenic (PMID: 23830518, 26322222).

Literature cited by the submitters: PubMed 23830518; PubMed 26322222.